The following is an entry in ClinVar:

NM_205836.3(FBXO38):c.286A>G (p.Thr96Ala)

Gene: FBXO38 (F-box protein 38; plus strand). Cytogenetic location: 5q32.
Variant type: single nucleotide variant.
Coding change: c.286A>G on transcript NM_205836.3 (MANE Select); coding-DNA position 286, A replaced by G.
Protein change: p.Thr96Ala; replaces threonine 96 with alanine.
Molecular consequence: missense variant.
Genome position (GRCh38, 1-based): chr5:148,402,005, A>G. VCF-style: chr5-148402005-A-G. GRCh37 (hg19) VCF-style: chr5-147781568-A-G.
Other names: c.286A>G, p.Thr96Ala (NM_001271723.2, NM_030793.5); short protein forms T96A.
Identifiers: ClinVar variation 640185 (VCV000640185.11), dbSNP rs1185057010, ClinGen allele CA361654669.

ClinVar aggregate classification (germline): Uncertain significance. Review status: criteria provided, multiple submitters, no conflicts (2 of 4 stars). 2 submissions from 2 submitters: Uncertain significance (2). Last evaluated 2024-06-03.

Conditions:
Distal hereditary motor neuropathy type 2. Identifiers: Orphanet 139525, MedGen C3711384, MeSH C580044, MONDO:0015352.
Neuronopathy, distal hereditary motor, type 2D. Also called: NEURONOPATHY, DISTAL HEREDITARY MOTOR, AUTOSOMAL DOMINANT 6; NEURONOPATHY, DISTAL HEREDITARY MOTOR, HARDING TYPE IID; NEUROPATHY, DISTAL HEREDITARY MOTOR, HARDING TYPE IID; HMN IID; SPINAL MUSCULAR ATROPHY, DISTAL, AUTOSOMAL DOMINANT, CALF-PREDOMINANT. Identifiers: Orphanet 139525, MedGen C3888271, MONDO:0014259, OMIM 615575.

Allele frequency attached by ClinVar (database versions not stated): gnomAD exomes below 0.00001 and 0.00001; gnomAD 0.00001; TOPMed 0.00001.
gnomAD v4.1: 5 of 1,610,626 alleles (0.00031%); highest among the groups gnomAD compares: East Asian, 0.011%; no homozygotes.

Submissions (2):

Revvity Omics, Revvity
Classification: Uncertain significance for Neuronopathy, distal hereditary motor, type 2D. Last evaluated: 2024-06-03. Review status: criteria provided, single submitter. Criteria: ACMG Guidelines, 2015. Collection method: clinical testing. Allele origin: germline.

Labcorp Genetics (formerly Invitae), Labcorp
Classification: Uncertain significance for Distal hereditary motor neuropathy type 2. Last evaluated: 2023-02-21. Review status: criteria provided, single submitter. Criteria: Invitae Variant Classification Sherloc (09022015). Collection method: clinical testing. Allele origin: germline.
Comment: In summary, the available evidence is currently insufficient to determine the role of this variant in disease. Therefore, it has been classified as a Variant of Uncertain Significance. Advanced modeling of protein sequence and biophysical properties (such as structural, functional, and spatial information, amino acid conservation, physicochemical variation, residue mobility, and thermodynamic stability) performed at Invitae indicates that this missense variant is not expected to disrupt FBXO38 protein function. ClinVar contains an entry for this variant (Variation ID: 640185). This variant has not been reported in the literature in individuals affected with FBXO38-related conditions. This variant is present in population databases (no rsID available, gnomAD 0.01%). This sequence change replaces threonine, which is neutral and polar, with alanine, which is neutral and non-polar, at codon 96 of the FBXO38 protein (p.Thr96Ala).